The following is an entry in ClinVar:

NM_001377530.1(DMBT1):c.2067C>T (p.His689=)

Gene: DMBT1 (deleted in malignant brain tumors 1; plus strand). Cytogenetic location: 10q26.13.
Variant type: single nucleotide variant.
Coding change: c.2067C>T on transcript NM_001377530.1 (MANE Select); coding-DNA position 2067, C replaced by T.
Protein change: p.His689=; no amino-acid change (histidine 689 retained).
Molecular consequence: synonymous variant. On other transcripts: intron variant (1).
Genome position (GRCh38, 1-based): chr10:122,589,227, C>T. VCF-style: chr10-122589227-C-T. GRCh37 (hg19) VCF-style: chr10-124348743-C-T.
Other names: c.2067C>T, p.His689= (NM_001320644.2, NM_007329.3); c.2037C>T, p.His679= (NM_017579.3); c.1420+4876C>T (NM_004406.3).
Identifiers: ClinVar variation 2640931 (VCV002640931.24), dbSNP rs766389820, ClinGen allele CA5727008.

ClinVar aggregate classification (germline): Likely benign (1 of 4 stars; one submission).

Allele frequency attached by ClinVar (database versions not stated): ExAC 0.00001.

Submission:

CeGaT Center for Human Genetics Tuebingen
Classification: Likely benign. Last evaluated: 2022-08-01. Review status: criteria provided, single submitter. Criteria: CeGaT Center For Human Genetics Tuebingen Variant Classification Criteria Version 2. Collection method: clinical testing. Allele origin: germline. Affected: yes. Observed: 1 variant allele.
Comment: DMBT1: BP4, BP7